The following is an entry in ClinVar:

NM_182943.3(PLOD2):c.201+1G>T

Gene: PLOD2 (procollagen-lysine,2-oxoglutarate 5-dioxygenase 2; minus strand). Cytogenetic location: 3q24.
Variant type: single nucleotide variant.
Coding change: c.201+1G>T on transcript NM_182943.3 (MANE Select); the canonical splice donor site of the intron after coding-DNA position 201, G replaced by T.
Molecular consequence: splice donor variant.
Genome position (GRCh38, 1-based): chr3:146,124,137, C>A on the plus strand (G>T on the coding strand, the complement: PLOD2 is on the minus strand). VCF-style: chr3-146124137-C-A. GRCh37 (hg19) VCF-style: chr3-145841924-C-A.
Other names: c.201+1G>T (NM_000935.3).
Identifiers: ClinVar variation 2840019 (VCV002840019.3), dbSNP rs753497692, ClinGen allele CA2655340.

ClinVar aggregate classification (germline): Likely pathogenic (1 of 4 stars; one submission).

Allele frequency attached by ClinVar (database versions not stated): gnomAD 0.00001; TOPMed below 0.00001; ExAC 0.00001.
gnomAD v4.1: 1 of 1,481,298 alleles (0.000068%); no homozygotes.

Submission:

Labcorp Genetics (formerly Invitae), Labcorp
Classification: Likely pathogenic. Last evaluated: 2025-10-10. Review status: criteria provided, single submitter. Criteria: Invitae Variant Classification Sherloc (09022015). Collection method: clinical testing. Allele origin: germline.
Comment: This sequence change affects a donor splice site in intron 2 of the PLOD2 gene. It is expected to disrupt RNA splicing. Variants that disrupt the donor or acceptor splice site typically lead to a loss of protein function (PMID: 16199547), and loss-of-function variants in PLOD2 are known to be pathogenic (PMID: 22689593, 25238597, 29178448). This variant is present in population databases (rs753497692, gnomAD 0.005%). This variant has not been reported in the literature in individuals affected with PLOD2-related conditions. ClinVar contains an entry for this variant (Variation ID: 2840019). Algorithms developed to predict the effect of sequence changes on RNA splicing suggest that this variant may disrupt the consensus splice site. In summary, the currently available evidence indicates that the variant is pathogenic, but additional data are needed to prove that conclusively. Therefore, this variant has been classified as Likely Pathogenic.

Literature cited by the submitters: PubMed 16199547; PubMed 22689593; PubMed 25238597; PubMed 29178448.